The following is an entry in ClinVar:

ClinVar aggregate classification (germline): Benign/Likely benign. Review status: criteria provided, multiple submitters, no conflicts (2 of 4 stars). 7 submissions from 7 submitters: Benign (6); Likely benign (1). Last evaluated 2025-10-04.

Conditions:
Long QT syndrome (LQTS). Identifiers: MedGen C0023976, MeSH D008133, MONDO:0002442. Disease mechanism: loss of function. Inheritance: Various modes of inheritance.
Cardiac arrhythmia. Also called: Arrhythmia; Cardiac rhythm disease. Identifiers: MedGen C0003811, MONDO:0007263, HP:0011675.

Allele frequency attached by ClinVar (database versions not stated): gnomAD 0.00009 and 0.00012; TOPMed 0.00027; 1000 Genomes Project 0.00040; 1000 Genomes Project 30x 0.00047.
gnomAD v4.1: 115 of 1,613,222 alleles (0.0071%); highest among the groups gnomAD compares: East Asian, 0.17%; 2 homozygotes.

Submissions (7):

Labcorp Genetics (formerly Invitae), Labcorp
Classification: Benign for Long QT syndrome. Last evaluated: 2025-10-04. Review status: criteria provided, single submitter. Criteria: Invitae Variant Classification Sherloc (09022015). Collection method: clinical testing. Allele origin: germline.

Blueprint Genetics
Classification: Likely benign. Last evaluated: 2024-09-15. Review status: criteria provided, single submitter. Criteria: ACMG Guidelines, 2015. Collection method: clinical testing. Allele origin: germline.

All of Us Research Program, National Institutes of Health
Classification: Benign for Long QT syndrome. Last evaluated: 2024-02-05. Review status: criteria provided, single submitter. Criteria: ACMG Guidelines, 2015. Collection method: clinical testing. Allele origin: germline. Inheritance: Autosomal dominant inheritance. Observed: 12 variant alleles, 12 heterozygotes.
Comment: This study involves interpretation of variants in research participants for the purpose of population health screening. Participant phenotype was not available at the time of variant classification. Additional details can be found in publication PMID: 35346344, PMCID: PMC8962531

Women's Health and Genetics/Laboratory Corporation of America, LabCorp
Classification: Benign. Last evaluated: 2023-04-10. Review status: criteria provided, single submitter. Criteria: LabCorp Variant Classification Summary - May 2015. Collection method: clinical testing. Allele origin: germline.

Color Diagnostics, LLC DBA Color Health
Classification: Benign for Arrhythmia. Last evaluated: 2018-09-29. Review status: criteria provided, single submitter. Criteria: ACMG Guidelines, 2015. Collection method: clinical testing. Allele origin: germline.

GeneDx
Classification: Benign. Last evaluated: 2015-03-03. Review status: criteria provided, single submitter. Criteria: GeneDx Variant Classification Process June 2021. Collection method: clinical testing. Allele origin: germline. Affected: yes.

Breakthrough Genomics
Classification: Benign. Review status: criteria provided, single submitter. Criteria: ACMG Guidelines, 2015. Collection method: not provided. Allele origin: germline. Inheritance: Autosomal recessive inheritance. Affected: yes.

NM_000218.3(KCNQ1):c.1033-12A>G

Gene: KCNQ1 (potassium voltage-gated channel subfamily Q member 1; plus strand). Cytogenetic location: 11p15.5.
Variant type: single nucleotide variant.
Coding change: c.1033-12A>G on transcript NM_000218.3 (MANE Select); 12 bases into the intron before coding-DNA position 1033, A replaced by G.
Molecular consequence: intron variant.
Genome position (GRCh38, 1-based): chr11:2,585,200, A>G. VCF-style: chr11-2585200-A-G. GRCh37 (hg19) VCF-style: chr11-2606430-A-G.
Other names: c.763-12A>G (NM_001406837.1); c.1032+1655A>G (NM_001406836.1); c.588+1655A>G (NM_001406838.1); c.652-12A>G (NM_181798.2).
Identifiers: ClinVar variation 629333 (VCV000629333.17), dbSNP rs200423553, ClinGen allele CA026848.